The following is an entry in ClinVar:

NM_024753.5(TTC21B):c.1333C>G (p.Pro445Ala)

Gene: TTC21B (tetratricopeptide repeat domain 21B; minus strand). Cytogenetic location: 2q24.3.
Variant type: single nucleotide variant.
Coding change: c.1333C>G on transcript NM_024753.5 (MANE Select); coding-DNA position 1333, C replaced by G.
Protein change: p.Pro445Ala; replaces proline 445 with alanine.
Molecular consequence: missense variant.
Genome position (GRCh38, 1-based): chr2:165,929,188, G>C on the plus strand (C>G on the coding strand, the complement: TTC21B is on the minus strand). VCF-style: chr2-165929188-G-C. GRCh37 (hg19) VCF-style: chr2-166785698-G-C.
Other names: short protein forms P445A.
Identifiers: ClinVar variation 4994288 (VCV004994288.1).

ClinVar aggregate classification (germline): Uncertain significance (1 of 4 stars; one submission).

Conditions:
TTC21B-related disorder. Also called: TTC21B-related condition; TTC21B-related disorders.

Submission:

PreventionGenetics, part of Exact Sciences
Classification: Uncertain significance for TTC21B-related condition. Last evaluated: 2026-06-24. Review status: criteria provided, single submitter. Criteria: ACMG Guidelines, 2015. Collection method: clinical testing. Allele origin: germline.
Comment: The TTC21B c.1333C>G variant is predicted to result in the amino acid substitution p.Pro445Ala. To our knowledge, this variant has not been reported in the literature or in a large population database (gnomAD), indicating this variant is rare. At this time, the clinical significance of this variant is uncertain due to the absence of conclusive functional and genetic evidence.